The following is an entry in ClinVar:

ClinVar aggregate classification (germline): Likely benign (1 of 4 stars; one submission).

Allele frequency attached by ClinVar (database versions not stated): gnomAD exomes 0.00173; ExAC 0.00231; ESP Exome Variant Server 0.00231; gnomAD 0.00239; 1000 Genomes Project 30x 0.00250; 1000 Genomes Project 0.00280; TOPMed 0.00328.
gnomAD v4.1: 3,052 of 1,614,212 alleles (0.19%); highest among the groups gnomAD compares: Middle Eastern, 1.3%; 18 homozygotes.

Submission:

CeGaT Center for Human Genetics Tuebingen
Classification: Likely benign. Last evaluated: 2026-09-01. Review status: criteria provided, single submitter. Criteria: CeGaT Center For Human Genetics Tuebingen Variant Classification Criteria Version 2. Collection method: clinical testing. Allele origin: germline. Affected: yes. Observed: 8 variant alleles.
Comment: DHX30: BP4, BP7, BS1

NM_138615.3(DHX30):c.1986C>T (p.Ile662=)

Gene: DHX30 (DExH-box helicase 30; plus strand). Cytogenetic location: 3p21.31.
Variant type: single nucleotide variant.
Coding change: c.1986C>T on transcript NM_138615.3 (MANE Select); coding-DNA position 1986, C replaced by T.
Protein change: p.Ile662=; no amino-acid change (isoleucine 662 retained).
Molecular consequence: synonymous variant.
Genome position (GRCh38, 1-based): chr3:47,847,329, C>T. VCF-style: chr3-47847329-C-T. GRCh37 (hg19) VCF-style: chr3-47888819-C-T.
Other names: c.1902C>T, p.Ile634= (NM_001330990.2); c.1869C>T, p.Ile623= (NM_014966.4).
Identifiers: ClinVar variation 2653775 (VCV002653775.24), dbSNP rs114902473, ClinGen allele CA2370013.
Genomic context (GRCh38, chr3:47,847,329, plus strand): 5'-CCAGTCTGAGGATGAATGCGCACTCGATTTGGACCTTGTGACTGATCTGGTTCTGCACAT[C>T]GATGCTCGCGGGGAACCAGGTGGGTGCCTCCCCATCTGTCCCATGCTAGCCCTGGCCACG-3'
Protein context (NP_619520.1, residues 652-672): LDLVTDLVLH[Ile662=]DARGEPGGIL